The following is an entry in ClinVar:

NM_000474.4(TWIST1):c.276_293dup (p.Ser99_Pro100insSerSerGlyGlyGlySer)

Gene: TWIST1 (twist family bHLH transcription factor 1; minus strand). Cytogenetic location: 7p21.1.
Variant type: Duplication.
Coding change: c.276_293dup on transcript NM_000474.4 (MANE Select); coding-DNA positions 276 to 293, 18 bases duplicated (CAGCAGCAGCGGCGGCGG).
Protein change: p.Ser99_Pro100insSerSerGlyGlyGlySer.
Molecular consequence: inframe insertion. On other transcripts: non-coding transcript variant (1).
Genome position (GRCh38, 1-based): chr7:19,117,029-19,117,046, CCGCCGCCGCTGCTGCTG duplicated on the plus strand (CAGCAGCAGCGGCGGCGG on the coding strand, the reverse complement: TWIST1 is on the minus strand); duplicating any 18 consecutive bases within chr7:19,117,029-19,117,056 gives the same sequence; the c. name uses the placement nearest the transcript's 3' end. VCF-style (leftmost placement, unchanged base first): chr7-19117028-C-CCCGCCGCCGCTGCTGCTG. GRCh37 (hg19) VCF-style: chr7-19156651-C-CCCGCCGCCGCTGCTGCTG.
Identifiers: ClinVar variation 2922792 (VCV002922792.3), dbSNP rs772470139, ClinGen allele CA155466600.
Genomic context (GRCh38, chr7:19,117,028, plus strand): 5'-GCGCTCCCGCACGTTGGCCATGACCCGCTGCGTCTGCAGCTCCTCGTAAGACTGCGGACT[C>CCCGCCGCCGCTGCTGCTG]CCGCCGCCGCTGCTGCTGCCGCCGCCGCCGCCCGCGCCGCCGCCGCCGCCACAGCCCGCA-3'

ClinVar aggregate classification (germline): Uncertain significance (1 of 4 stars; one submission).

Conditions:
TWIST1-related craniosynostosis (CRS1). Also called: CRANIOSYNOSTOSIS 1. Identifiers: Orphanet 63440, MedGen C4551902, MONDO:0007399, OMIM 123100. Inheritance: Heterogenous inheritance pattern.
Saethre-Chotzen syndrome (SCS). Also called: ACROCEPHALY, SKULL ASYMMETRY, AND MILD SYNDACTYLY; ACS III; CHOTZEN SYNDROME. Identifiers: Orphanet 794, MedGen C0175699, MONDO:0007042, OMIM 101400.

Submission:

Labcorp Genetics (formerly Invitae), Labcorp
Classification: Uncertain significance for TWIST1-related craniosynostosis; Saethre-Chotzen syndrome. Last evaluated: 2023-01-10. Review status: criteria provided, single submitter. Criteria: Invitae Variant Classification Sherloc (09022015). Collection method: clinical testing. Allele origin: germline.
Comment: In summary, the available evidence is currently insufficient to determine the role of this variant in disease. Therefore, it has been classified as a Variant of Uncertain Significance. This variant, c.276_293dup, results in the insertion of 6 amino acid(s) of the TWIST1 protein (p.Ser94_Ser99dup), but otherwise preserves the integrity of the reading frame. This variant is not present in population databases (gnomAD no frequency). This variant has not been reported in the literature in individuals affected with TWIST1-related conditions. Experimental studies and prediction algorithms are not available or were not evaluated, and the functional significance of this variant is currently unknown.